The following is an entry in ClinVar:

NM_014516.4(CNOT3):c.1213G>A (p.Gly405Ser)

Gene: CNOT3 (CCR4-NOT transcription complex subunit 3; plus strand). Cytogenetic location: 19q13.42.
Variant type: single nucleotide variant.
Coding change: c.1213G>A on transcript NM_014516.4 (MANE Select); coding-DNA position 1213, G replaced by A.
Protein change: p.Gly405Ser; replaces glycine 405 with serine.
Molecular consequence: missense variant. On other transcripts: non-coding transcript variant (2).
Genome position (GRCh38, 1-based): chr19:54,148,466, G>A. VCF-style: chr19-54148466-G-A. GRCh37 (hg19) VCF-style: chr19-54652201-G-A.
Other names: c.1216G>A, p.Gly406Ser (NM_001440653.1, NM_001440655.1, NM_001440657.1 and 3 more transcripts); c.1213G>A, p.Gly405Ser (NM_001440654.1, NM_001440656.1, NM_001440658.1 and 1 more transcripts); c.670G>A, p.Gly224Ser (NM_001440659.1, NM_001440660.1); short protein forms G406S, G405S, G224S.
Identifiers: ClinVar variation 4616041 (VCV004616041.3).
Genomic context (GRCh38, chr19:54,148,466, plus strand): 5'-ACGACCCAGCCCCGGCCCCCCAGCGTCCAGCCTAGCGGAGGCGGAGGCGGCGGCAGCGGA[G>A]GCGGAGGGAGCAGCAGCAGTAGTAACAGCAGTGCCGGTGGAGGGGCTGGCAAGCAGAATG-3'
Protein context (NP_055331.1, residues 395-415): PSGGGGGGSG[Gly405Ser]GGSSSSSNSS

ClinVar aggregate classification (germline): Uncertain significance. Review status: criteria provided, multiple submitters, no conflicts (2 of 4 stars). 2 submissions from 2 submitters: Uncertain significance (2). Last evaluated 2025-10-23.

Conditions:
Inborn genetic diseases. Identifiers: MedGen C0950123, MeSH D030342.

Submissions (2):

Ambry Genetics
Classification: Uncertain significance for Inborn genetic diseases. Last evaluated: 2025-10-23. Review status: criteria provided, single submitter. Criteria: Ambry Variant Classification Scheme 2023. Collection method: clinical testing. Allele origin: germline.

Dasa
Classification: Uncertain significance. Last evaluated: 2025-09-10. Review status: criteria provided, single submitter. Criteria: DASA Assertion Criteria. Collection method: clinical testing. Allele origin: germline.
Comment: NM_014516.4(CNOT3):c.1213G>A (p.Gly405Ser) is a missense variant that results in the substitution of glycine with serine. This variant is rare in population databases. Computational prediction algorithms are consistent with a benign effect. The currently available literature and clinical evidence are not sufficient to establish a definitive association between this variant and the reported condition. Therefore, this variant is classified as a variant of uncertain significance.